The following is an entry in ClinVar:

NM_080680.3(COL11A2):c.211C>G (p.Pro71Ala)

Gene: COL11A2 (collagen type XI alpha 2 chain; minus strand). Cytogenetic location: 6p21.32.
Variant type: single nucleotide variant.
Coding change: c.211C>G on transcript NM_080680.3 (MANE Select); coding-DNA position 211, C replaced by G.
Protein change: p.Pro71Ala; replaces proline 71 with alanine.
Molecular consequence: missense variant. On other transcripts: 5 prime UTR variant (3), non-coding transcript variant (1).
Genome position (GRCh38, 1-based): chr6:33,189,341, G>C on the plus strand (C>G on the coding strand, the complement: COL11A2 is on the minus strand). VCF-style: chr6-33189341-G-C. GRCh37 (hg19) VCF-style: chr6-33157118-G-C.
Other names: c.211C>G, p.Pro71Ala (NM_001163771.2, NM_001424108.1, NM_080679.3 and 1 more transcripts); c.-636C>G (NM_001424109.1, NM_001424110.1, NM_001424111.1); short protein forms P71A.
Identifiers: ClinVar variation 4734105 (VCV004734105.1).

ClinVar aggregate classification (germline): Uncertain significance (1 of 4 stars; one submission).

Submission:

Labcorp Genetics (formerly Invitae), Labcorp
Classification: Uncertain significance. Last evaluated: 2026-01-11. Review status: criteria provided, single submitter. Criteria: Invitae Variant Classification Sherloc (09022015). Collection method: clinical testing. Allele origin: germline.
Comment: This sequence change replaces proline, which is neutral and non-polar, with alanine, which is neutral and non-polar, at codon 71 of the COL11A2 protein (p.Pro71Ala). This variant is not present in population databases (gnomAD no frequency). This variant has not been reported in the literature in individuals affected with COL11A2-related conditions. An algorithm developed to predict the effect of missense changes on protein structure and function (PolyPhen-2) suggests that this variant is likely to be disruptive. In summary, the available evidence is currently insufficient to determine the role of this variant in disease. Therefore, it has been classified as a Variant of Uncertain Significance.